The following is an entry in ClinVar:

NM_018109.4(MTPAP):c.301A>G (p.Ile101Val)

Gene: MTPAP (mitochondrial poly(A) polymerase; minus strand). Cytogenetic location: 10p11.23.
Variant type: single nucleotide variant.
Coding change: c.301A>G on transcript NM_018109.4 (MANE Select); coding-DNA position 301, A replaced by G.
Protein change: p.Ile101Val; replaces isoleucine 101 with valine.
Molecular consequence: missense variant.
Genome position (GRCh38, 1-based): chr10:30,341,497, T>C on the plus strand (A>G on the coding strand, the complement: MTPAP is on the minus strand). VCF-style: chr10-30341497-T-C. GRCh37 (hg19) VCF-style: chr10-30630426-T-C.
Other names: short protein forms I101V.
Identifiers: ClinVar variation 1489445 (VCV001489445.4), dbSNP rs376572481, ClinGen allele CA5459238.

ClinVar aggregate classification (germline): Uncertain significance (1 of 4 stars; one submission).

Allele frequency attached by ClinVar (database versions not stated): ExAC 0.00001; gnomAD 0.00001; gnomAD exomes 0.00001 and 0.00002; TOPMed 0.00002; ESP Exome Variant Server 0.00008.
gnomAD v4.1: 10 of 1,613,594 alleles (0.00062%); highest among the groups gnomAD compares: Admixed American, 0.0033%; no homozygotes.

Submission:

Labcorp Genetics (formerly Invitae), Labcorp
Classification: Uncertain significance. Last evaluated: 2023-07-21. Review status: criteria provided, single submitter. Criteria: Invitae Variant Classification Sherloc (09022015). Collection method: clinical testing. Allele origin: germline.
Comment: This variant is present in population databases (rs376572481, gnomAD 0.006%). In summary, the available evidence is currently insufficient to determine the role of this variant in disease. Therefore, it has been classified as a Variant of Uncertain Significance. Advanced modeling of protein sequence and biophysical properties (such as structural, functional, and spatial information, amino acid conservation, physicochemical variation, residue mobility, and thermodynamic stability) performed at Invitae indicates that this missense variant is not expected to disrupt MTPAP protein function. ClinVar contains an entry for this variant (Variation ID: 1489445). This variant has not been reported in the literature in individuals affected with MTPAP-related conditions. This sequence change replaces isoleucine, which is neutral and non-polar, with valine, which is neutral and non-polar, at codon 101 of the MTPAP protein (p.Ile101Val).